The following is an entry in ClinVar:

ClinVar aggregate classification (germline): Likely benign (0 of 4 stars; one submission).

Conditions:
INF2-related disorder. Also called: INF2-related condition.

gnomAD v4.1: 1 of 1,612,968 alleles (0.000062%); highest among the groups gnomAD compares: African/African-American, 0.0013%; no homozygotes.

Submission:

PreventionGenetics, part of Exact Sciences
Classification: Likely benign for INF2-related condition. Last evaluated: 2024-03-13. Review status: no assertion criteria provided. Collection method: clinical testing. Allele origin: germline.
Comment: This variant is classified as likely benign based on ACMG/AMP sequence variant interpretation guidelines (Richards et al. 2015 PMID: 25741868, with internal and published modifications).

NM_022489.4(INF2):c.1893T>A (p.Thr631=)

Gene: INF2 (inverted formin 2; plus strand). Cytogenetic location: 14q32.33.
Variant type: single nucleotide variant.
Coding change: c.1893T>A on transcript NM_022489.4 (MANE Select); coding-DNA position 1893, T replaced by A.
Protein change: p.Thr631=; no amino-acid change (threonine 631 retained).
Molecular consequence: synonymous variant. On other transcripts: non-coding transcript variant (1).
Genome position (GRCh38, 1-based): chr14:104,708,676, T>A. VCF-style: chr14-104708676-T-A. GRCh37 (hg19) VCF-style: chr14-105175013-T-A.
Other names: c.1893T>A, p.Thr631= (NM_001031714.4, NM_001426862.1, NM_001426863.1 and 2 more transcripts).
Identifiers: ClinVar variation 3348828 (VCV003348828.1).